The following is an entry in ClinVar:

ClinVar aggregate classification (germline): Uncertain significance (1 of 4 stars; one submission).

Conditions:
Dilated cardiomyopathy 1JJ (CMD1JJ). Identifiers: Orphanet 154, MedGen C3808935, MONDO:0014095, OMIM 615235.

Allele frequency attached by ClinVar (database versions not stated): gnomAD exomes below 0.00001.
gnomAD v4.1: 1 of 1,599,686 alleles (0.000063%); no homozygotes.

Submission:

Labcorp Genetics (formerly Invitae), Labcorp
Classification: Uncertain significance for Dilated cardiomyopathy 1JJ. Last evaluated: 2021-04-03. Review status: criteria provided, single submitter. Criteria: Invitae Variant Classification Sherloc (09022015). Collection method: clinical testing. Allele origin: germline.
Comment: In summary, the available evidence is currently insufficient to determine the role of this variant in disease. Therefore, it has been classified as a Variant of Uncertain Significance. Algorithms developed to predict the effect of sequence changes on RNA splicing suggest that this variant may disrupt the consensus splice site, but this prediction has not been confirmed by published transcriptional studies. This variant has not been reported in the literature in individuals with LAMA4-related conditions. This variant is not present in population databases (ExAC no frequency). This sequence change affects an acceptor splice site in intron 2 of the LAMA4 gene. It is expected to disrupt RNA splicing. Variants that disrupt the donor or acceptor splice site typically lead to a loss of protein function (PMID: 16199547), however the current clinical and genetic evidence is not sufficient to establish whether loss-of-function variants in LAMA4 cause disease.

Literature cited by the submitters: PubMed 16199547.

NM_001105206.3(LAMA4):c.196-1G>T

Gene: LAMA4 (laminin subunit alpha 4; minus strand). Cytogenetic location: 6q21.
Variant type: single nucleotide variant.
Coding change: c.196-1G>T on transcript NM_001105206.3 (MANE Select); the canonical splice acceptor site of the intron before coding-DNA position 196, G replaced by T.
Molecular consequence: splice acceptor variant.
Genome position (GRCh38, 1-based): chr6:112,216,470, C>A on the plus strand (G>T on the coding strand, the complement: LAMA4 is on the minus strand). VCF-style: chr6-112216470-C-A. GRCh37 (hg19) VCF-style: chr6-112537671-C-A.
Other names: c.196-1G>T (NM_002290.5, NM_001105207.3).
Identifiers: ClinVar variation 1351111 (VCV001351111.8), dbSNP rs1554358747, ClinGen allele CA365518251.